The following is an entry in ClinVar:

ClinVar aggregate classification (germline): Uncertain significance (1 of 4 stars; one submission).

Allele frequency attached by ClinVar (database versions not stated): gnomAD exomes below 0.00001.
gnomAD v4.1: 4 of 1,448,280 alleles (0.00028%); highest among the groups gnomAD compares: Non-Finnish European, 0.000097%; no homozygotes.

Submission:

GeneDx
Classification: Uncertain significance. Last evaluated: 2022-03-11. Review status: criteria provided, single submitter. Criteria: GeneDx Variant Classification Process June 2021. Collection method: clinical testing. Allele origin: germline. Affected: yes.
Comment: Not observed at significant frequency in large population cohorts (gnomAD); In silico analysis supports that this missense variant has a deleterious effect on protein structure/function; Has not been previously published as pathogenic or benign to our knowledge

NM_001042475.3(CEP85L):c.1135G>A (p.Asp379Asn)

Gene: CEP85L (centrosomal protein 85 like; minus strand). Cytogenetic location: 6q22.31.
Variant type: single nucleotide variant.
Coding change: c.1135G>A on transcript NM_001042475.3 (MANE Select); coding-DNA position 1135, G replaced by A.
Protein change: p.Asp379Asn; replaces aspartic acid 379 with asparagine.
Molecular consequence: missense variant.
Genome position (GRCh38, 1-based): chr6:118,523,806, C>T on the plus strand (G>A on the coding strand, the complement: CEP85L is on the minus strand). VCF-style: chr6-118523806-C-T. GRCh37 (hg19) VCF-style: chr6-118844969-C-T.
Other names: c.1144G>A, p.Asp382Asn (NM_001178035.2); c.1135G>A, p.Asp379Asn (NM_206921.3); short protein forms D379N, D382N.
Identifiers: ClinVar variation 1704725 (VCV001704725.2), dbSNP rs1017418937, ClinGen allele CA146525410.
Genomic context (GRCh38, chr6:118,523,806, plus strand): 5'-TCATTAATCTAAATTTCTGTAGGCCTGAAATATTTAATAATTTAAAATAGACTCACCGAT[C>T]GATTACAATTTCTTTCTGCCTTAGAAGTCCTTCTTTTATTTTCAACATTGATTCCCACTT-3'
Protein context (NP_001035940.1, residues 369-389): GLLRQKEIVI[Asp379Asn]RQKQQITHLH